The following is an entry in ClinVar:

ClinVar aggregate classification (germline): Uncertain significance. Review status: criteria provided, multiple submitters, no conflicts (2 of 4 stars). 2 submissions from 2 submitters: Uncertain significance (2). Last evaluated 2025-03-27.

Conditions:
Inborn genetic diseases. Identifiers: MedGen C0950123, MeSH D030342.

Allele frequency attached by ClinVar (database versions not stated): ExAC 0.00005; gnomAD exomes 0.00006; ESP Exome Variant Server 0.00008; gnomAD 0.00011; TOPMed 0.00013.
gnomAD v4.1: 132 of 1,613,950 alleles (0.0082%); highest among the groups gnomAD compares: Non-Finnish European, 0.011%; no homozygotes.

Submissions (2):

Labcorp Genetics (formerly Invitae), Labcorp
Classification: Uncertain significance. Last evaluated: 2025-03-27. Review status: criteria provided, single submitter. Criteria: Invitae Variant Classification Sherloc (09022015). Collection method: clinical testing. Allele origin: germline.
Comment: This sequence change replaces glycine, which is neutral and non-polar, with serine, which is neutral and polar, at codon 398 of the MMP14 protein (p.Gly398Ser). The frequency data for this variant in the population databases is considered unreliable, as metrics indicate poor data quality at this position in the gnomAD database. This variant has not been reported in the literature in individuals affected with MMP14-related conditions. ClinVar contains an entry for this variant (Variation ID: 1380441). Invitae Evidence Modeling of protein sequence and biophysical properties (such as structural, functional, and spatial information, amino acid conservation, physicochemical variation, residue mobility, and thermodynamic stability) indicates that this missense variant is not expected to disrupt MMP14 protein function with a negative predictive value of 80%. In summary, the available evidence is currently insufficient to determine the role of this variant in disease. Therefore, it has been classified as a Variant of Uncertain Significance.

Ambry Genetics
Classification: Uncertain significance for Inborn genetic diseases. Last evaluated: 2024-03-25. Review status: criteria provided, single submitter. Criteria: Ambry Variant Classification Scheme 2023. Collection method: clinical testing. Allele origin: germline.

NM_004995.4(MMP14):c.1192G>A (p.Gly398Ser)

Gene: MMP14 (matrix metallopeptidase 14; plus strand). Cytogenetic location: 14q11.2.
Variant type: single nucleotide variant.
Coding change: c.1192G>A on transcript NM_004995.4 (MANE Select); coding-DNA position 1192, G replaced by A.
Protein change: p.Gly398Ser; replaces glycine 398 with serine.
Molecular consequence: missense variant.
Genome position (GRCh38, 1-based): chr14:22,844,671, G>A. VCF-style: chr14-22844671-G-A. GRCh37 (hg19) VCF-style: chr14-23313880-G-A.
Other names: c.1192G>A (NM_004995.2); short protein forms G398S.
Identifiers: ClinVar variation 1380441 (VCV001380441.7), dbSNP rs368081817, ClinGen allele CA7105404.